The following is an entry in ClinVar:

NM_007259.5(VPS45):c.1371+5A>G

Gene: VPS45 (vacuolar protein sorting 45 homolog; plus strand). Cytogenetic location: 1q21.2.
Variant type: single nucleotide variant.
Coding change: c.1371+5A>G on transcript NM_007259.5 (MANE Select); 5 bases into the intron after coding-DNA position 1371, A replaced by G.
Molecular consequence: intron variant.
Genome position (GRCh38, 1-based): chr1:150,092,414, A>G. VCF-style: chr1-150092414-A-G. GRCh37 (hg19) VCF-style: chr1-150064508-A-G.
Other names: c.1371+5A>G (LRG_1170t1); c.1056+5A>G (NM_001279353.2); c.1263+5A>G (NM_001279354.2).
Identifiers: ClinVar variation 647131 (VCV000647131.7), dbSNP rs369221126, ClinGen allele CA1073381.

ClinVar aggregate classification (germline): Conflicting classifications of pathogenicity. Review status: criteria provided, conflicting classifications (1 of 4 stars). 4 submissions from 4 submitters: Uncertain significance (2); Likely benign (1). 1 of the submissions does not count toward it. Last evaluated 2024-11-14.

Conditions:
Congenital neutropenia-myelofibrosis-nephromegaly syndrome. Also called: Severe congenital neutropenia 5, autosomal recessive. Identifiers: Orphanet 369852, MedGen C3809031, MONDO:0014118, OMIM 615285.

Allele frequency attached by ClinVar (database versions not stated): ExAC 0.00002; gnomAD 0.00002; TOPMed 0.00003; gnomAD exomes 0.00004 and 0.00010; ESP Exome Variant Server 0.00008.
gnomAD v4.1: 163 of 1,612,852 alleles (0.01%); highest among the groups gnomAD compares: Middle Eastern, 0.66%; 1 homozygote.

Submissions (4):

Blueprint Genetics
Classification: Likely benign. Last evaluated: 2024-11-14. Review status: criteria provided, single submitter. Criteria: ACMG Guidelines, 2015. Collection method: clinical testing. Allele origin: germline.

Women's Health and Genetics/Laboratory Corporation of America, LabCorp
Classification: Uncertain significance. Last evaluated: 2023-12-12. Review status: criteria provided, single submitter. Criteria: LabCorp Variant Classification Summary - May 2015. Collection method: clinical testing. Allele origin: germline.

Labcorp Genetics (formerly Invitae), Labcorp
Classification: Uncertain significance for Congenital neutropenia-myelofibrosis-nephromegaly syndrome. Last evaluated: 2022-11-01. Review status: criteria provided, single submitter. Criteria: Invitae Variant Classification Sherloc (09022015). Collection method: clinical testing. Allele origin: germline.
Comment: This sequence change falls in intron 12 of the VPS45 gene. It does not directly change the encoded amino acid sequence of the VPS45 protein. It affects a nucleotide within the consensus splice site. This variant is present in population databases (rs369221126, gnomAD 0.05%). This variant has not been reported in the literature in individuals affected with VPS45-related conditions. ClinVar contains an entry for this variant (Variation ID: 647131). Variants that disrupt the consensus splice site are a relatively common cause of aberrant splicing (PMID: 17576681, 9536098). Algorithms developed to predict the effect of sequence changes on RNA splicing suggest that this variant is not likely to affect RNA splicing. In summary, the available evidence is currently insufficient to determine the role of this variant in disease. Therefore, it has been classified as a Variant of Uncertain Significance.

Natera, Inc.
Classification: Uncertain significance for Autosomal recessive severe congenital neutropenia 5. Last evaluated: 2020-05-02. Review status: no assertion criteria provided. Collection method: clinical testing. Allele origin: germline. Not counted in ClinVar's aggregate classification.

Literature cited by the submitters: PubMed 17576681 (cited by Labcorp Genetics (formerly Invitae), Labcorp); PubMed 9536098 (cited by Labcorp Genetics (formerly Invitae), Labcorp).